The following is an entry in ClinVar:

ClinVar aggregate classification (germline): Uncertain significance (1 of 4 stars; one submission).

gnomAD v4.1: 2 of 1,614,010 alleles (0.00012%); no homozygotes.

Submission:

Labcorp Genetics (formerly Invitae), Labcorp
Classification: Uncertain significance. Last evaluated: 2022-06-13. Review status: criteria provided, single submitter. Criteria: Invitae Variant Classification Sherloc (09022015). Collection method: clinical testing. Allele origin: germline.
Comment: Advanced modeling of protein sequence and biophysical properties (such as structural, functional, and spatial information, amino acid conservation, physicochemical variation, residue mobility, and thermodynamic stability) performed at Invitae indicates that this missense variant is not expected to disrupt CNGB3 protein function. This sequence change replaces threonine, which is neutral and polar, with serine, which is neutral and polar, at codon 6 of the CNGB3 protein (p.Thr6Ser). This variant is not present in population databases (gnomAD no frequency). This variant has not been reported in the literature in individuals affected with CNGB3-related conditions. In summary, the available evidence is currently insufficient to determine the role of this variant in disease. Therefore, it has been classified as a Variant of Uncertain Significance.

NM_019098.5(CNGB3):c.16A>T (p.Thr6Ser)

Gene: CNGB3 (cyclic nucleotide gated channel subunit beta 3; minus strand). Cytogenetic location: 8q21.3.
Variant type: single nucleotide variant.
Coding change: c.16A>T on transcript NM_019098.5 (MANE Select); coding-DNA position 16, A replaced by T.
Protein change: p.Thr6Ser; replaces threonine 6 with serine.
Molecular consequence: missense variant.
Genome position (GRCh38, 1-based): chr8:86,743,612, T>A on the plus strand (A>T on the coding strand, the complement: CNGB3 is on the minus strand). VCF-style: chr8-86743612-T-A. GRCh37 (hg19) VCF-style: chr8-87755840-T-A.
Other names: short protein forms T6S.
Identifiers: ClinVar variation 1964179 (VCV001964179.5), dbSNP rs1825378828, ClinGen allele CA371452912.